The following is an entry in ClinVar:

ClinVar aggregate classification (germline): Pathogenic (1 of 4 stars; one submission).

Conditions:
Polyglucosan body myopathy type 1 (PGBM1). Also called: Polyglucosan body myopathy 1 with or without immunodeficiency; POLYGLUCOSAN BODY MYOPATHY WITHOUT IMMUNODEFICIENCY. Identifiers: Orphanet 329173, Orphanet 397937, MedGen C4014605, MONDO:0014389, OMIM 615895.

Submission:

Labcorp Genetics (formerly Invitae), Labcorp
Classification: Pathogenic for Polyglucosan body myopathy type 1. Last evaluated: 2023-10-09. Review status: criteria provided, single submitter. Criteria: Invitae Variant Classification Sherloc (09022015). Collection method: clinical testing. Allele origin: unknown.
Comment: A gross deletion of the genomic region encompassing the full coding sequence of the RBCK1 gene has been identified. Loss-of-function variants in RBCK1 are known to be pathogenic (PMID: 2379848, 23104095, 23889995). The boundaries of this event are unknown as they extend beyond the assayed region for this gene and therefore may encompass additional genes. This variant has not been reported in the literature in individuals affected with RBCK1-related conditions. For these reasons, this variant has been classified as Pathogenic.

Literature cited by the submitters: PubMed 2379848; PubMed 23104095; PubMed 23889995.

NC_000020.10:g.(?_389402)_(443049_?)del

Genes: RBCK1 (RANBP2-type and C3HC4-type zinc finger containing 1; plus strand), TBC1D20 (TBC1 domain family member 20; minus strand). Cytogenetic location: 20p13.
Variant type: Deletion.
Identifiers: ClinVar variation 3248308 (VCV003248308.1).